The following is an entry in ClinVar:

ClinVar aggregate classification (germline): Conflicting classifications of pathogenicity. Review status: criteria provided, conflicting classifications (1 of 4 stars). 2 submissions from 2 submitters: Uncertain significance (1); Benign (1). Last evaluated 2024-03-03.

Conditions:
ZTTK syndrome (ZTTKS). Also called: ZTTK MULTIPLE CONGENITAL ANOMALIES-MENTAL RETARDATION SYNDROME; Zhu-Tokita-Takenouchi-Kim Syndrome. Identifiers: Orphanet 500150, MedGen C4310696, MONDO:0014936, OMIM 617140.

Allele frequency attached by ClinVar (database versions not stated): gnomAD exomes below 0.00001; TOPMed below 0.00001.

Submissions (2):

Labcorp Genetics (formerly Invitae), Labcorp
Classification: Benign. Last evaluated: 2024-03-03. Review status: criteria provided, single submitter. Criteria: Invitae Variant Classification Sherloc (09022015). Collection method: clinical testing. Allele origin: germline.

Baylor Genetics
Classification: Uncertain significance for ZTTK syndrome. Last evaluated: 2019-02-02. Review status: criteria provided, single submitter. Criteria: ACMG Guidelines, 2015. Collection method: clinical testing. Allele origin: paternal. Affected: yes.
Comment: This variant was determined to be of uncertain significance according to ACMG Guidelines, 2015 [PMID:25741868].

NM_138927.4(SON):c.1091T>C (p.Leu364Pro)

Gene: SON (SON DNA and RNA binding protein; plus strand). Cytogenetic location: 21q22.11.
Variant type: single nucleotide variant.
Coding change: c.1091T>C on transcript NM_138927.4 (MANE Select); coding-DNA position 1091, T replaced by C.
Protein change: p.Leu364Pro; replaces leucine 364 with proline.
Molecular consequence: missense variant. On other transcripts: non-coding transcript variant (1), intron variant (1).
Genome position (GRCh38, 1-based): chr21:33,550,322, T>C. VCF-style: chr21-33550322-T-C. GRCh37 (hg19) VCF-style: chr21-34922628-T-C.
Other names: c.1091T>C, p.Leu364Pro (NM_001291411.2, NM_032195.3); c.244+3943T>C (NM_001291412.3); short protein forms L364P.
Identifiers: ClinVar variation 1028929 (VCV001028929.5), dbSNP rs2085736646, ClinGen allele CA410153128.